The following is an entry in ClinVar:

NM_020754.4(ARHGAP31):c.3882G>T (p.Ser1294=)

Gene: ARHGAP31 (Rho GTPase activating protein 31; plus strand). Cytogenetic location: 3q13.33.
Variant type: single nucleotide variant.
Coding change: c.3882G>T on transcript NM_020754.4 (MANE Select); coding-DNA position 3882, G replaced by T.
Protein change: p.Ser1294=; no amino-acid change (serine 1294 retained).
Molecular consequence: synonymous variant.
Genome position (GRCh38, 1-based): chr3:119,415,811, G>T. VCF-style: chr3-119415811-G-T. GRCh37 (hg19) VCF-style: chr3-119134658-G-T.
Identifiers: ClinVar variation 4536821 (VCV004536821.1).

ClinVar aggregate classification (germline): Likely benign (1 of 4 stars; one submission).

gnomAD v4.1: 2 of 1,614,224 alleles (0.00012%); highest among the groups gnomAD compares: East Asian, 0.0022%; no homozygotes.

Submission:

Women's Health and Genetics/Laboratory Corporation of America, LabCorp
Classification: Likely benign. Last evaluated: 2025-11-11. Review status: criteria provided, single submitter. Criteria: LabCorp Variant Classification Summary - May 2015. Collection method: clinical testing. Allele origin: germline.
Comment: Variant summary: ARHGAP31 c.3882G>T results in a synonymous change. Consensus agreement among computation tools predict no significant impact on normal splicing. However, these predictions have yet to be confirmed by functional studies. The variant was absent in 249360 control chromosomes. The available data on variant occurrences in the general population are insufficient to allow any conclusion about variant significance. To our knowledge, no occurrence of c.3882G>T in individuals affected with ARHGAP31-related conditions and no experimental evidence demonstrating its impact on protein function have been reported. No submitters have cited clinical-significance assessments for this variant to ClinVar. Based on the evidence outlined above, the variant was classified as likely benign.